The following is an entry in ClinVar:

ClinVar aggregate classification (germline): Benign/Likely benign. Review status: criteria provided, multiple submitters, no conflicts (2 of 4 stars). 2 submissions from 2 submitters: Benign (1); Likely benign (1). Last evaluated 2017-07-06.

Allele frequency attached by ClinVar (database versions not stated): gnomAD exomes 0.00085; ExAC 0.00204; ESP Exome Variant Server 0.00330; 1000 Genomes Project 0.00339; 1000 Genomes Project 30x 0.00344; TOPMed 0.00428.

Submissions (2):

GeneDx
Classification: Likely benign. Last evaluated: 2017-07-06. Review status: criteria provided, single submitter. Criteria: GeneDx Variant Classification (06012015). Collection method: clinical testing. Allele origin: germline. Affected: yes.
Comment: This variant is considered likely benign or benign based on one or more of the following criteria: it is a conservative change, it occurs at a poorly conserved position in the protein, it is predicted to be benign by multiple in silico algorithms, and/or has population frequency not consistent with disease.

Eurofins Ntd Llc (ga)
Classification: Benign. Last evaluated: 2016-07-19. Review status: criteria provided, single submitter. Criteria: EGL Classification Definitions 2015. Collection method: clinical testing. Allele origin: germline. Observed: 1 variant allele, 1 heterozygote.

NM_152415.3(VPS37A):c.-19G>A

Gene: VPS37A (VPS37A subunit of ESCRT-I; plus strand). Cytogenetic location: 8p22.
Variant type: single nucleotide variant.
Coding change: c.-19G>A on transcript NM_152415.3 (MANE Select); 19 bases upstream of the start codon, G replaced by A.
Molecular consequence: 5 prime UTR variant.
Genome position (GRCh38, 1-based): chr8:17,247,226, G>A. VCF-style: chr8-17247226-G-A. GRCh37 (hg19) VCF-style: chr8-17104735-G-A.
Other names: c.-19G>A (NM_001145152.2, NM_001363167.1, NM_001363173.2); c.-334G>A (NM_001363168.1, NM_001363170.1, NM_001363172.2); c.-284G>A (NM_001363169.1, NM_001363171.1).
Identifiers: ClinVar variation 288702 (VCV000288702.5), dbSNP rs59276128, ClinGen allele CA4643076.